The following is an entry in ClinVar:

NM_000268.4(NF2):c.1705G>A (p.Gly569Ser)

Gene: NF2 (NF2, moesin-ezrin-radixin like (MERLIN) tumor suppressor; plus strand). Cytogenetic location: 22q12.2.
Variant type: single nucleotide variant.
Coding change: c.1705G>A on transcript NM_000268.4 (MANE Select); coding-DNA position 1705, G replaced by A.
Protein change: p.Gly569Ser; replaces glycine 569 with serine.
Molecular consequence: missense variant. On other transcripts: non-coding transcript variant (1), intron variant (1).
Genome position (GRCh38, 1-based): chr22:29,681,569, G>A. VCF-style: chr22-29681569-G-A. GRCh37 (hg19) VCF-style: chr22-30077558-G-A.
Other names: c.1591G>A, p.Gly531Ser (NM_001407053.1, NM_001407056.1); c.1582G>A, p.Gly528Ser (NM_001407054.1, NM_001407058.1, NM_181829.3); c.1579G>A, p.Gly527Ser (NM_001407055.1, NM_181828.3); c.1570G>A, p.Gly524Ser (NM_001407057.1, NM_001407059.1); c.1447G>A, p.Gly483Ser (NM_001407062.1); c.1456G>A, p.Gly486Ser (NM_001407063.1, NM_181830.3, NM_181831.3); c.1171G>A, p.Gly391Ser (NM_001407065.1); c.1705G>A, p.Gly569Ser (NM_001407066.1, NM_016418.5, NM_181825.3 and 1 more transcripts); and 2 more; short protein forms G528S, G531S, G483S, G486S, G527S, G391S, G524S, G569S.
Identifiers: ClinVar variation 2016783 (VCV002016783.4), dbSNP rs2147123381, ClinGen allele CA411150423.
Genomic context (GRCh38, chr22:29,681,569, plus strand): 5'-TTGAAACTGAAAGAGAGGGAGACAGCTCTGGATATTCTGCACAATGAGAACTCCGACAGG[G>A]GTGGCAGCAGCAAGCACAATACCATTAAAAAGGTACCCAGGGTCTCTTTCTTGTATTTTG-3'
Protein context (NP_000259.1, residues 559-579): DILHNENSDR[Gly569Ser]GSSKHNTIKK

ClinVar aggregate classification (germline): Uncertain significance (1 of 4 stars; one submission).

Conditions:
Neurofibromatosis, type 2 (SWNV). Also called: NF2-Related Schwannomatosis; BILATERAL ACOUSTIC NEUROFIBROMATOSIS; SCHWANNOMATOSIS, VESTIBULAR. Identifiers: Orphanet 637, MedGen C0027832, MONDO:0007039, OMIM 101000. Disease mechanism: loss of function.

Submission:

Labcorp Genetics (formerly Invitae), Labcorp
Classification: Uncertain significance for Neurofibromatosis, type 2. Last evaluated: 2022-09-20. Review status: criteria provided, single submitter. Criteria: Invitae Variant Classification Sherloc (09022015). Collection method: clinical testing. Allele origin: germline.
Comment: In summary, the available evidence is currently insufficient to determine the role of this variant in disease. Therefore, it has been classified as a Variant of Uncertain Significance. Advanced modeling of protein sequence and biophysical properties (such as structural, functional, and spatial information, amino acid conservation, physicochemical variation, residue mobility, and thermodynamic stability) performed at Invitae indicates that this missense variant is not expected to disrupt NF2 protein function. This variant has not been reported in the literature in individuals affected with NF2-related conditions. This variant is not present in population databases (gnomAD no frequency). This sequence change replaces glycine, which is neutral and non-polar, with serine, which is neutral and polar, at codon 569 of the NF2 protein (p.Gly569Ser).